The following is an entry in ClinVar:

ClinVar aggregate classification (germline): Uncertain significance (1 of 4 stars; one submission).

Submission:

GeneDx
Classification: Uncertain significance. Last evaluated: 2023-01-10. Review status: criteria provided, single submitter. Criteria: GeneDx Variant Classification Process June 2021. Collection method: clinical testing. Allele origin: germline. Affected: yes.
Comment: Not observed at significant frequency in large population cohorts (gnomAD); In silico analysis supports that this missense variant has a deleterious effect on protein structure/function; Has not been previously published as pathogenic or benign to our knowledge

NM_000143.4(FH):c.650C>T (p.Ala217Val)

Gene: FH (fumarate hydratase; minus strand). Cytogenetic location: 1q43.
Variant type: single nucleotide variant.
Coding change: c.650C>T on transcript NM_000143.4 (MANE Select); coding-DNA position 650, C replaced by T.
Protein change: p.Ala217Val; replaces alanine 217 with valine.
Molecular consequence: missense variant.
Genome position (GRCh38, 1-based): chr1:241,508,691, G>A on the plus strand (C>T on the coding strand, the complement: FH is on the minus strand). VCF-style: chr1-241508691-G-A. GRCh37 (hg19) VCF-style: chr1-241671991-G-A.
Other names: short protein forms A217V.
Identifiers: ClinVar variation 2571738 (VCV002571738.1), dbSNP rs2147919565, ClinGen allele CA345439311.